The following is an entry in ClinVar:

NM_000038.6(APC):c.5035G>T (p.Ala1679Ser)

Gene: APC (APC regulator of Wnt signaling pathway; plus strand). Cytogenetic location: 5q22.2.
Variant type: single nucleotide variant.
Coding change: c.5035G>T on transcript NM_000038.6 (MANE Select); coding-DNA position 5035, G replaced by T.
Protein change: p.Ala1679Ser; replaces alanine 1679 with serine.
Molecular consequence: missense variant. On other transcripts: non-coding transcript variant (2).
Genome position (GRCh38, 1-based): chr5:112,840,629, G>T. VCF-style: chr5-112840629-G-T. GRCh37 (hg19) VCF-style: chr5-112176326-G-T.
Other names: c.5035G>T, p.Ala1679Ser (NM_001127510.3, NM_001354895.2, NM_001407450.1); c.4981G>T, p.Ala1661Ser (NM_001127511.3); c.5089G>T, p.Ala1697Ser (NM_001354896.2, NM_001407447.1, NM_001407448.1 and 1 more transcripts); c.5065G>T, p.Ala1689Ser (NM_001354897.2); c.4960G>T, p.Ala1654Ser (NM_001354898.2); c.4951G>T, p.Ala1651Ser (NM_001354899.2); c.4912G>T, p.Ala1638Ser (NM_001354900.2); c.4858G>T, p.Ala1620Ser (NM_001354901.2, NM_001407453.1); and 11 more; short protein forms A1596S, A1651S, A1654S, A1697S, A1295S, A1578S, A1638S, A1679S.
Identifiers: ClinVar variation 3881631 (VCV003881631.1).

ClinVar aggregate classification (germline): Uncertain significance (1 of 4 stars; one submission).

Conditions:
Hereditary cancer-predisposing syndrome. Also called: Tumor predisposition; Neoplastic Syndromes, Hereditary; Hereditary Cancer Syndrome; Hereditary neoplastic syndrome. Identifiers: Orphanet 140162, MedGen C0027672, MeSH D009386, MONDO:0015356.

Submission:

Ambry Genetics
Classification: Uncertain significance for Hereditary cancer-predisposing syndrome. Last evaluated: 2025-01-09. Review status: criteria provided, single submitter. Criteria: Ambry Variant Classification Scheme 2023. Collection method: clinical testing. Allele origin: germline.
Comment: The p.A1679S variant (also known as c.5035G>T), located in coding exon 15 of the APC gene, results from a G to T substitution at nucleotide position 5035. The alanine at codon 1679 is replaced by serine, an amino acid with similar properties. This amino acid position is conserved. In addition, in silico predictors for this gene do not accurately predict pathogenicity. Based on the available evidence, the clinical significance of this variant remains unclear.